The following is an entry in ClinVar:

NM_012478.4(WBP2):c.19C>T (p.His7Tyr)

Gene: WBP2 (WW domain binding protein 2; minus strand). Cytogenetic location: 17q25.1.
Variant type: single nucleotide variant.
Coding change: c.19C>T on transcript NM_012478.4 (MANE Select); coding-DNA position 19, C replaced by T.
Protein change: p.His7Tyr; replaces histidine 7 with tyrosine.
Molecular consequence: missense variant.
Genome position (GRCh38, 1-based): chr17:75,855,279, G>A on the plus strand (C>T on the coding strand, the complement: WBP2 is on the minus strand). VCF-style: chr17-75855279-G-A. GRCh37 (hg19) VCF-style: chr17-73851360-G-A.
Other names: c.19C>T, p.His7Tyr (NM_001330499.2, NM_001348170.1); short protein forms H7Y.
Identifiers: ClinVar variation 2054850 (VCV002054850.6), dbSNP rs199895332, ClinGen allele CA8774086.

ClinVar aggregate classification (germline): Uncertain significance. Review status: criteria provided, multiple submitters, no conflicts (2 of 4 stars). 2 submissions from 2 submitters: Uncertain significance (2). Last evaluated 2025-08-14.

Allele frequency attached by ClinVar (database versions not stated): ESP Exome Variant Server 0.00015; TOPMed 0.00004; ExAC 0.00002; gnomAD 0.00003; gnomAD exomes 0.00004.

Submissions (2):

Ambry Genetics
Classification: Uncertain significance. Last evaluated: 2025-08-14. Review status: criteria provided, single submitter. Criteria: Ambry Variant Classification Scheme 2023. Collection method: clinical testing. Allele origin: germline.

Labcorp Genetics (formerly Invitae), Labcorp
Classification: Uncertain significance. Last evaluated: 2024-03-12. Review status: criteria provided, single submitter. Criteria: Invitae Variant Classification Sherloc (09022015). Collection method: clinical testing. Allele origin: germline.
Comment: This sequence change replaces histidine, which is basic and polar, with tyrosine, which is neutral and polar, at codon 7 of the WBP2 protein (p.His7Tyr). This variant is present in population databases (rs199895332, gnomAD 0.005%). This variant has not been reported in the literature in individuals affected with WBP2-related conditions. ClinVar contains an entry for this variant (Variation ID: 2054850). Advanced modeling of protein sequence and biophysical properties (such as structural, functional, and spatial information, amino acid conservation, physicochemical variation, residue mobility, and thermodynamic stability) performed at Invitae indicates that this missense variant is expected to disrupt WBP2 protein function with a positive predictive value of 80%. In summary, the available evidence is currently insufficient to determine the role of this variant in disease. Therefore, it has been classified as a Variant of Uncertain Significance.